The following is an entry in ClinVar:

ClinVar aggregate classification (germline): Uncertain significance (1 of 4 stars; one submission).

Conditions:
Hereditary sensory neuropathy-deafness-dementia syndrome. Also called: Hereditary sensory neuropathy type IE; NEUROPATHY, HEREDITARY SENSORY, WITH HEARING LOSS AND DEMENTIA; HSN IE; Hereditary Sensory and Autonomic Neuropathy Type 1E (HSAN1E). Identifiers: Orphanet 456318, MedGen C3279885, MONDO:0013584, OMIM 614116.

Submission:

Labcorp Genetics (formerly Invitae), Labcorp
Classification: Uncertain significance for Hereditary sensory neuropathy-deafness-dementia syndrome. Last evaluated: 2024-12-12. Review status: criteria provided, single submitter. Criteria: Invitae Variant Classification Sherloc (09022015). Collection method: clinical testing. Allele origin: germline.
Comment: This sequence change falls in intron 15 of the DNMT1 gene. It does not directly change the encoded amino acid sequence of the DNMT1 protein. Information on the frequency of this variant in the gnomAD database is not available, as this variant may be reported differently in the database. This variant has not been reported in the literature in individuals affected with DNMT1-related conditions. Experimental studies and prediction algorithms are not available or were not evaluated, and the effect of this variant on mRNA splicing is currently unknown. In summary, the available evidence is currently insufficient to determine the role of this variant in disease. Therefore, it has been classified as a Variant of Uncertain Significance.

NM_001130823.3(DNMT1):c.1089+12_1089+13delinsGT

Gene: DNMT1 (DNA methyltransferase 1; minus strand). Cytogenetic location: 19p13.2.
Variant type: Indel.
Coding change: c.1089+12_1089+13delinsGT on transcript NM_001130823.3 (MANE Select); bases 12 to 13 of the intron after coding-DNA position 1089, CC replaced by GT.
Molecular consequence: intron variant.
Genome position (GRCh38, 1-based): chr19:10,160,005-10,160,006, GG replaced by AC on the plus strand (CC replaced by GT on the coding strand, the reverse complement: DNMT1 is on the minus strand). VCF-style: chr19-10160005-GG-AC. GRCh37 (hg19) VCF-style: chr19-10270681-GG-AC.
Other names: c.726+12_726+13delinsGT (NM_001318731.2); c.1041+12_1041+13delinsGT (NM_001379.4, NM_001318730.2).
Identifiers: ClinVar variation 3606259 (VCV003606259.2).